The following is an entry in ClinVar:

ClinVar aggregate classification (germline): Uncertain significance. Review status: criteria provided, multiple submitters, no conflicts (2 of 4 stars). 2 submissions from 2 submitters: Uncertain significance (2). Last evaluated 2021-08-28.

Conditions:
Cernunnos-XLF deficiency (IMD124). Also called: NHEJ1 SYNDROME; Severe combined immunodeficiency with sensitivity to ionizing radiation due to NHEJ1 deficiency; SCID, autosomal recessive, T cell-negative, B cell-negative, NK cell-positive, and sensitivity to ionizing radiation due to NHEJ1 deficiency; IMMUNODEFICIENCY 124, SEVERE COMBINED; SCID, AUTOSOMAL RECESSIVE, T CELL-NEGATIVE, B CELL-NEGATIVE, NK CELL-POSITIVE, WITH MICROCEPHALY, GROWTH RETARDATION, AND SENSITIVITY TO IONIZING RADIATION. Identifiers: Orphanet 169079, MedGen C1969799, MONDO:0012650, OMIM 611291.

Allele frequency attached by ClinVar (database versions not stated): gnomAD exomes below 0.00001; TOPMed below 0.00001; gnomAD 0.00002.
gnomAD v4.1: 7 of 1,607,880 alleles (0.00044%); highest among the groups gnomAD compares: Admixed American, 0.0033%; no homozygotes.

Submissions (2):

Labcorp Genetics (formerly Invitae), Labcorp
Classification: Uncertain significance for Cernunnos-XLF deficiency. Last evaluated: 2021-08-28. Review status: criteria provided, single submitter. Criteria: Invitae Variant Classification Sherloc (09022015). Collection method: clinical testing. Allele origin: germline.
Comment: This sequence change replaces arginine with glutamine at codon 178 of the NHEJ1 protein (p.Arg178Gln). The arginine residue is highly conserved and there is a small physicochemical difference between arginine and glutamine. This variant is not present in population databases (ExAC no frequency). This variant has not been reported in the literature in individuals affected with NHEJ1-related conditions. Algorithms developed to predict the effect of missense changes on protein structure and function (SIFT, PolyPhen-2, Align-GVGD) all suggest that this variant is likely to be tolerated. Experimental studies have shown that this missense change does not substantially affect NHEJ1 function (PMID: 25661488). In summary, the available evidence is currently insufficient to determine the role of this variant in disease. Therefore, it has been classified as a Variant of Uncertain Significance.

Breakthrough Genomics
Classification: Uncertain significance. Review status: criteria provided, single submitter. Criteria: ACMG Guidelines, 2015. Collection method: not provided. Allele origin: germline. Inheritance: Unknown mechanism. Affected: yes.

Literature cited by the submitters: PubMed 25661488 (cited by Labcorp Genetics (formerly Invitae), Labcorp).

NM_024782.3(NHEJ1):c.533G>A (p.Arg178Gln)

Gene: NHEJ1 (non-homologous end joining factor 1; minus strand). Cytogenetic location: 2q35.
Variant type: single nucleotide variant.
Coding change: c.533G>A on transcript NM_024782.3 (MANE Select); coding-DNA position 533, G replaced by A.
Protein change: p.Arg178Gln; replaces arginine 178 with glutamine.
Molecular consequence: missense variant. On other transcripts: non-coding transcript variant (1).
Genome position (GRCh38, 1-based): chr2:219,146,735, C>T on the plus strand (G>A on the coding strand, the complement: NHEJ1 is on the minus strand). VCF-style: chr2-219146735-C-T. GRCh37 (hg19) VCF-style: chr2-220011457-C-T.
Other names: c.533G>A, p.Arg178Gln (NM_001377498.1, NM_001377499.1); short protein forms R178Q.
Identifiers: ClinVar variation 1525337 (VCV001525337.6), dbSNP rs1949744959, ClinGen allele CA350626863.
Genomic context (GRCh38, chr2:219,146,735, plus strand): 5'-CTTACCTCTATCATAAATTGTTCCAAGAAGGAATTTTCTTCAAATGGTTCTGTCTTCAAT[C>T]GATCTGTAATAAGAAGGATCAGAAAAAAGAAATATGAGTCATACAGGATGAGTTTCTTAC-3'
Protein context (NP_079058.1, residues 168-188): QESGATLIRD[Arg178Gln]LKTEPFEENS